The following is an entry in ClinVar:

NM_020699.4(GATAD2B):c.336-3T>C

Gene: GATAD2B (GATA zinc finger domain containing 2B; minus strand). Cytogenetic location: 1q21.3.
Variant type: single nucleotide variant.
Coding change: c.336-3T>C on transcript NM_020699.4 (MANE Select); 3 bases into the intron before coding-DNA position 336, T replaced by C.
Molecular consequence: intron variant.
Genome position (GRCh38, 1-based): chr1:153,819,738, A>G on the plus strand (T>C on the coding strand, the complement: GATAD2B is on the minus strand). VCF-style: chr1-153819738-A-G. GRCh37 (hg19) VCF-style: chr1-153792214-A-G.
Identifiers: ClinVar variation 1371467 (VCV001371467.6), dbSNP rs1449500419, ClinGen allele CA526370012.

ClinVar aggregate classification (germline): Uncertain significance (1 of 4 stars; one submission).

Allele frequency attached by ClinVar (database versions not stated): gnomAD 0.00001.
gnomAD v4.1: 2 of 1,583,672 alleles (0.00013%); highest among the groups gnomAD compares: African/African-American, 0.0014%; no homozygotes.

Submission:

Labcorp Genetics (formerly Invitae), Labcorp
Classification: Uncertain significance. Last evaluated: 2024-06-24. Review status: criteria provided, single submitter. Criteria: Invitae Variant Classification Sherloc (09022015). Collection method: clinical testing. Allele origin: germline.
Comment: This sequence change falls in intron 2 of the GATAD2B gene. It does not directly change the encoded amino acid sequence of the GATAD2B protein. It affects a nucleotide within the consensus splice site. This variant is present in population databases (no rsID available, gnomAD 0.01%). This variant has not been reported in the literature in individuals affected with GATAD2B-related conditions. ClinVar contains an entry for this variant (Variation ID: 1371467). Variants that disrupt the consensus splice site are a relatively common cause of aberrant splicing (PMID: 17576681, 9536098). Algorithms developed to predict the effect of sequence changes on RNA splicing suggest that this variant is not likely to affect RNA splicing. In summary, the available evidence is currently insufficient to determine the role of this variant in disease. Therefore, it has been classified as a Variant of Uncertain Significance.

Literature cited by the submitters: PubMed 17576681; PubMed 9536098.